The following is an entry in ClinVar:

NM_017636.4(TRPM4):c.1243C>T (p.Arg415Trp)

Gene: TRPM4 (transient receptor potential cation channel subfamily M member 4; plus strand). Cytogenetic location: 19q13.33.
Variant type: single nucleotide variant.
Coding change: c.1243C>T on transcript NM_017636.4 (MANE Select); coding-DNA position 1243, C replaced by T.
Protein change: p.Arg415Trp; replaces arginine 415 with tryptophan.
Molecular consequence: missense variant. On other transcripts: 5 prime UTR variant (1), intron variant (1).
Genome position (GRCh38, 1-based): chr19:49,181,441, C>T. VCF-style: chr19-49181441-C-T. GRCh37 (hg19) VCF-style: chr19-49684698-C-T.
Other names: c.1243C>T, p.Arg415Trp (NM_001195227.2); c.898C>T, p.Arg300Trp (NM_001321281.2); c.-311C>T (NM_001321282.2); c.721C>T, p.Arg241Trp (NM_001321283.2); c.202-1137C>T (NM_001321285.2); short protein forms R241W, R415W, R300W.
Identifiers: ClinVar variation 853662 (VCV000853662.11), dbSNP rs1967917751, ClinGen allele CA406797927.

ClinVar aggregate classification (germline): Uncertain significance. Review status: criteria provided, multiple submitters, no conflicts (2 of 4 stars). 3 submissions from 3 submitters: Uncertain significance (3). Last evaluated 2025-09-04.

Conditions:
Cardiovascular phenotype. Identifiers: MedGen CN230736.
Progressive familial heart block type IB (PFHB1B). Identifiers: Orphanet 871, MedGen C1970298, MONDO:0011474, OMIM 604559.

Allele frequency attached by ClinVar (database versions not stated): TOPMed below 0.00001.

Submissions (3):

Labcorp Genetics (formerly Invitae), Labcorp
Classification: Uncertain significance for Progressive familial heart block type IB. Last evaluated: 2025-09-04. Review status: criteria provided, single submitter. Criteria: Invitae Variant Classification Sherloc (09022015). Collection method: clinical testing. Allele origin: germline.
Comment: This sequence change replaces arginine, which is basic and polar, with tryptophan, which is neutral and slightly polar, at codon 415 of the TRPM4 protein (p.Arg415Trp). This variant is not present in population databases (gnomAD no frequency). This variant has not been reported in the literature in individuals affected with TRPM4-related conditions. ClinVar contains an entry for this variant (Variation ID: 853662). An algorithm developed to predict the effect of missense changes on protein structure and function (PolyPhen-2) suggests that this variant is likely to be disruptive. In summary, the available evidence is currently insufficient to determine the role of this variant in disease. Therefore, it has been classified as a Variant of Uncertain Significance.

Ambry Genetics
Classification: Uncertain significance for Cardiovascular phenotype. Last evaluated: 2025-07-03. Review status: criteria provided, single submitter. Criteria: Ambry Variant Classification Scheme 2023. Collection method: clinical testing. Allele origin: germline.
Comment: The p.R415W variant (also known as c.1243C>T), located in coding exon 10 of the TRPM4 gene, results from a C to T substitution at nucleotide position 1243. The arginine at codon 415 is replaced by tryptophan, an amino acid with dissimilar properties. This amino acid position is not well conserved in available vertebrate species. In addition, the in silico prediction for this alteration is inconclusive. Based on the available evidence, the clinical significance of this variant remains unclear.

GeneDx
Classification: Uncertain significance. Last evaluated: 2022-07-12. Review status: criteria provided, single submitter. Criteria: GeneDx Variant Classification Process June 2021. Collection method: clinical testing. Allele origin: germline. Affected: yes.
Comment: Not observed at significant frequency in large population cohorts (gnomAD); In silico analysis supports that this missense variant has a deleterious effect on protein structure/function; Has not been previously published as pathogenic or benign to our knowledge